The following is an entry in ClinVar:

NM_005591.4(MRE11):c.1110T>G (p.Ser370Arg)

Gene: MRE11 (MRE11 double strand break repair nuclease; minus strand). Cytogenetic location: 11q21.
Variant type: single nucleotide variant.
Coding change: c.1110T>G on transcript NM_005591.4 (MANE Select); coding-DNA position 1110, T replaced by G.
Protein change: p.Ser370Arg; replaces serine 370 with arginine.
Molecular consequence: missense variant.
Genome position (GRCh38, 1-based): chr11:94,464,228, A>C on the plus strand (T>G on the coding strand, the complement: MRE11 is on the minus strand). VCF-style: chr11-94464228-A-C. GRCh37 (hg19) VCF-style: chr11-94197394-A-C.
Other names: c.1110T>G, p.Ser370Arg (NM_001330347.2, NM_005590.4); short protein forms S370R.
Identifiers: ClinVar variation 2428631 (VCV002428631.3), dbSNP rs1946501376, ClinGen allele CA382373050.

ClinVar aggregate classification (germline): Uncertain significance. Review status: criteria provided, multiple submitters, no conflicts (2 of 4 stars). 2 submissions from 2 submitters: Uncertain significance (2). Last evaluated 2024-01-17.

Conditions:
Hereditary cancer-predisposing syndrome. Also called: Neoplastic Syndromes, Hereditary; Hereditary neoplastic syndrome; Hereditary Cancer Syndrome; Tumor predisposition. Identifiers: Orphanet 140162, MedGen C0027672, MeSH D009386, MONDO:0015356.
Ataxia-telangiectasia-like disorder 1 (ATLD1). Identifiers: Orphanet 251347, MedGen C4012790, MONDO:0024557, OMIM 604391.

Submissions (2):

Ambry Genetics
Classification: Uncertain significance for Hereditary cancer-predisposing syndrome. Last evaluated: 2024-01-17. Review status: criteria provided, single submitter. Criteria: Ambry Variant Classification Scheme 2023. Collection method: clinical testing. Allele origin: germline.
Comment: The p.S370R variant (also known as c.1110T>G), located in coding exon 10 of the MRE11A gene, results from a T to G substitution at nucleotide position 1110. The serine at codon 370 is replaced by arginine, an amino acid with dissimilar properties. This amino acid position is conserved. In addition, the in silico prediction for this alteration is inconclusive. Based on the available evidence, the clinical significance of this alteration remains unclear.

ARUP Laboratories, Molecular Genetics and Genomics, ARUP Laboratories
Classification: Uncertain significance for Ataxia-telangiectasia-like disorder 1. Last evaluated: 2022-04-29. Review status: criteria provided, single submitter. Criteria: ARUP Molecular Germline Variant Investigation Process 2021. Collection method: clinical testing. Allele origin: germline.
Comment: The MRE11 c.1110T>G; p.Ser370Arg variant, to our knowledge, is not reported in the medical literature or gene specific databases. This variant is also absent from the Genome Aggregation Database, indicating it is not a common polymorphism. The serine at codon 370 is moderately conserved, but computational analyses are uncertain whether this variant is neutral or deleterious (REVEL: 0.641). Due to limited information, the clinical significance of this variant is uncertain at this time.